The following is an entry in ClinVar:

ClinVar aggregate classification (germline): Benign/Likely benign (0 of 4 stars; one submission).

Submission:

ISCA Site 6
Classification: Benign/Likely benign. Review status: no assertion criteria provided. Collection method: clinical testing. Allele origin: unknown. Affected: yes. Observed: 5 variant alleles. Clinical features observed: Developmental delay AND/OR other significant developmental or morphological phenotypes.
Comment: Likely benign (1), Benign (4)

Copy number variation identified through the course of routine clinical cytogenomic testing in postnatal populations, with clinical assertions as classified by the original submitter. For data from the original published study, Kaminsky, et al. 2011 (PubMed 21844811), please see nstd101.

GRCh37/hg19 10q11.22(chr10:49367155-49382926)x3

Gene: FRMPD2 (FERM and PDZ domain containing 2; minus strand). Cytogenetic location: 10q11.22.
Variant type: copy number gain.
Change: copy number 3 (three copies instead of two) of chr10:49,367,155-49,382,926 (15.8 kb, GRCh37 coordinates, 1-based), cytogenetic band 10q11.22.
Identifiers: ClinVar variation 395331 (VCV000395331.3).